The following is an entry in ClinVar:

ClinVar aggregate classification (germline): Uncertain significance (1 of 4 stars; one submission).

Conditions:
Cortical dysplasia-focal epilepsy syndrome (PTHSL1). Also called: Pitt-Hopkins-like syndrome 1. Identifiers: Orphanet 163681, Orphanet 221150, MedGen C2750246, MONDO:0012400, OMIM 610042.

Allele frequency attached by ClinVar (database versions not stated): gnomAD exomes below 0.00001; TOPMed below 0.00001; gnomAD 0.00001.

Submission:

Labcorp Genetics (formerly Invitae), Labcorp
Classification: Uncertain significance for Cortical dysplasia-focal epilepsy syndrome. Last evaluated: 2022-08-16. Review status: criteria provided, single submitter. Criteria: Invitae Variant Classification Sherloc (09022015). Collection method: clinical testing. Allele origin: germline.
Comment: In summary, the available evidence is currently insufficient to determine the role of this variant in disease. Therefore, it has been classified as a Variant of Uncertain Significance. Algorithms developed to predict the effect of missense changes on protein structure and function are either unavailable or do not agree on the potential impact of this missense change (SIFT: "Deleterious"; PolyPhen-2: "Probably Damaging"; Align-GVGD: "Class C0"). ClinVar contains an entry for this variant (Variation ID: 1467813). This variant has not been reported in the literature in individuals affected with CNTNAP2-related conditions. This sequence change replaces phenylalanine, which is neutral and non-polar, with serine, which is neutral and polar, at codon 136 of the CNTNAP2 protein (p.Phe136Ser). This variant is present in population databases (no rsID available, gnomAD 0.007%).

NM_014141.6(CNTNAP2):c.407T>C (p.Phe136Ser)

Gene: CNTNAP2 (contactin associated protein 2; plus strand). Cytogenetic location: 7q35.
Variant type: single nucleotide variant.
Coding change: c.407T>C on transcript NM_014141.6 (MANE Select); coding-DNA position 407, T replaced by C.
Protein change: p.Phe136Ser; replaces phenylalanine 136 with serine.
Molecular consequence: missense variant.
Genome position (GRCh38, 1-based): chr7:147,043,911, T>C. VCF-style: chr7-147043911-T-C. GRCh37 (hg19) VCF-style: chr7-146741003-T-C.
Other names: short protein forms F136S.
Identifiers: ClinVar variation 1467813 (VCV001467813.8), dbSNP rs1181723552, ClinGen allele CA369923393.